The following is an entry in ClinVar:

ClinVar aggregate classification (germline): Uncertain significance (1 of 4 stars; one submission).

gnomAD v4.1: 1 of 1,614,078 alleles (0.000062%); highest among the groups gnomAD compares: African/African-American, 0.0013%; no homozygotes.

Submission:

Labcorp Genetics (formerly Invitae), Labcorp
Classification: Uncertain significance. Last evaluated: 2025-09-15. Review status: criteria provided, single submitter. Criteria: Invitae Variant Classification Sherloc (09022015). Collection method: clinical testing. Allele origin: germline.
Comment: This sequence change replaces valine, which is neutral and non-polar, with isoleucine, which is neutral and non-polar, at codon 75 of the ASRGL1 protein (p.Val75Ile). This variant is present in population databases (no rsID available, gnomAD 0.01%). This variant has not been reported in the literature in individuals affected with ASRGL1-related conditions. An algorithm developed to predict the effect of missense changes on protein structure and function outputs the following: PolyPhen-2: "Benign". The isoleucine amino acid residue is found in multiple mammalian species, which suggests that this missense change does not adversely affect protein function. In summary, the available evidence is currently insufficient to determine the role of this variant in disease. Therefore, it has been classified as a Variant of Uncertain Significance.

NM_001083926.2(ASRGL1):c.223G>A (p.Val75Ile)

Gene: ASRGL1 (asparaginase and isoaspartyl peptidase 1; plus strand). Cytogenetic location: 11q12.3.
Variant type: single nucleotide variant.
Coding change: c.223G>A on transcript NM_001083926.2 (MANE Select); coding-DNA position 223, G replaced by A.
Protein change: p.Val75Ile; replaces valine 75 with isoleucine.
Molecular consequence: missense variant.
Genome position (GRCh38, 1-based): chr11:62,356,357, G>A. VCF-style: chr11-62356357-G-A. GRCh37 (hg19) VCF-style: chr11-62123829-G-A.
Other names: c.223G>A, p.Val75Ile (NM_001441216.1, NM_001441217.1, NM_025080.4); short protein forms V75I.
Identifiers: ClinVar variation 4726611 (VCV004726611.1).